The following is an entry in ClinVar:

NM_004036.5(ADCY3):c.3296G>A (p.Arg1099His)

Genes: ADCY3 (adenylate cyclase 3; minus strand), CENPO (centromere protein O; plus strand). Cytogenetic location: 2p23.3.
Variant type: single nucleotide variant.
Coding change: c.3296G>A on transcript NM_004036.5 (MANE Select); coding-DNA position 3296, G replaced by A.
Protein change: p.Arg1099His; replaces arginine 1099 with histidine.
Molecular consequence: missense variant. On other transcripts: 3 prime UTR variant (4), non-coding transcript variant (3).
Genome position (GRCh38, 1-based): chr2:24,820,071, C>T on the plus strand (G>A on the coding strand, the complement: ADCY3 is on the minus strand). VCF-style: chr2-24820071-C-T. GRCh37 (hg19) VCF-style: chr2-25042940-C-T.
Other names: c.3296G>A (NM_004036.3); c.3299G>A, p.Arg1100His (NM_001320613.2); c.3362G>A, p.Arg1121His (NM_001377128.1); c.3158G>A, p.Arg1053His (NM_001377129.1); c.*37G>A (NM_001377130.1); c.2573G>A, p.Arg858His (NM_001377131.1); c.3296G>A, p.Arg1099His (NM_001377132.1); c.*753C>T (NM_001199803.3, NM_001322101.2, NM_024322.4); short protein forms R1053H, R1099H, R1100H, R1121H, R858H.
Identifiers: ClinVar variation 3045323 (VCV003045323.3), dbSNP rs775633915, ClinGen allele CA1553428.

ClinVar aggregate classification (germline): Uncertain significance. Review status: criteria provided, single submitter (1 of 4 stars). 2 submissions from 2 submitters: Uncertain significance (1). 1 of the submissions does not count toward it. Last evaluated 2025-09-11.

Conditions:
ADCY3-related disorder. Also called: ADCY3-related condition.
Inborn genetic diseases. Identifiers: MedGen C0950123, MeSH D030342.

Allele frequency attached by ClinVar (database versions not stated): gnomAD exomes 0.00002; gnomAD 0.00003; ExAC 0.00004.
gnomAD v4.1: 31 of 1,573,240 alleles (0.002%); highest among the groups gnomAD compares: Admixed American, 0.026%; no homozygotes.

Submissions (2):

Ambry Genetics
Classification: Uncertain significance for Inborn genetic diseases. Last evaluated: 2025-09-11. Review status: criteria provided, single submitter. Criteria: Ambry Variant Classification Scheme 2023. Collection method: clinical testing. Allele origin: germline.

PreventionGenetics, part of Exact Sciences
Classification: Uncertain significance for ADCY3-related condition. Last evaluated: 2024-08-19. Review status: no assertion criteria provided. Collection method: clinical testing. Allele origin: germline. Not counted in ClinVar's aggregate classification.
Comment: The ADCY3 c.3299G>A variant is predicted to result in the amino acid substitution p.Arg1100His. To our knowledge, this variant has not been reported in the literature. This variant is reported in 0.039% of alleles in individuals of Latino descent in gnomAD. At this time, the clinical significance of this variant is uncertain due to the absence of conclusive functional and genetic evidence.